The following is an entry in ClinVar:

NM_030957.4(ADAMTS10):c.2302C>T (p.Arg768Cys)

Gene: ADAMTS10 (ADAM metallopeptidase with thrombospondin type 1 motif 10; minus strand). Cytogenetic location: 19p13.2.
Variant type: single nucleotide variant.
Coding change: c.2302C>T on transcript NM_030957.4 (MANE Select); coding-DNA position 2302, C replaced by T.
Protein change: p.Arg768Cys; replaces arginine 768 with cysteine.
Molecular consequence: missense variant.
Genome position (GRCh38, 1-based): chr19:8,586,659, G>A on the plus strand (C>T on the coding strand, the complement: ADAMTS10 is on the minus strand). VCF-style: chr19-8586659-G-A. GRCh37 (hg19) VCF-style: chr19-8651543-G-A.
Other names: c.763C>T, p.Arg255Cys (NM_001282352.2); short protein forms R255C, R768C.
Identifiers: ClinVar variation 1983202 (VCV001983202.2), dbSNP rs782499173, ClinGen allele CA9160144.

ClinVar aggregate classification (germline): Uncertain significance. Review status: criteria provided, multiple submitters, no conflicts (2 of 4 stars). 2 submissions from 2 submitters: Uncertain significance (2). Last evaluated 2022-09-28.

Allele frequency attached by ClinVar (database versions not stated): ExAC 0.00001.
gnomAD v4.1: 15 of 1,614,018 alleles (0.00093%); highest among the groups gnomAD compares: East Asian, 0.0022%; no homozygotes.

Submissions (2):

Labcorp Genetics (formerly Invitae), Labcorp
Classification: Uncertain significance. Last evaluated: 2022-09-28. Review status: criteria provided, single submitter. Criteria: Invitae Variant Classification Sherloc (09022015). Collection method: clinical testing. Allele origin: germline.
Comment: This sequence change replaces arginine, which is basic and polar, with cysteine, which is neutral and slightly polar, at codon 768 of the ADAMTS10 protein (p.Arg768Cys). This variant is present in population databases (rs782499173, gnomAD 0.006%). This variant has not been reported in the literature in individuals affected with ADAMTS10-related conditions. Algorithms developed to predict the effect of missense changes on protein structure and function (SIFT, PolyPhen-2, Align-GVGD) all suggest that this variant is likely to be disruptive. In summary, the available evidence is currently insufficient to determine the role of this variant in disease. Therefore, it has been classified as a Variant of Uncertain Significance.

Blueprint Genetics
Classification: Uncertain significance. Last evaluated: 2021-09-25. Review status: criteria provided, single submitter. Criteria: ACMG Guidelines, 2015. Collection method: clinical testing. Allele origin: germline.